The following is an entry in ClinVar:

NM_000052.7(ATP7A):c.4132A>G (p.Met1378Val)

Gene: ATP7A (ATPase copper transporting alpha; plus strand). Cytogenetic location: Xq21.1.
Variant type: single nucleotide variant.
Coding change: c.4132A>G on transcript NM_000052.7 (MANE Select); coding-DNA position 4132, A replaced by G.
Protein change: p.Met1378Val; replaces methionine 1378 with valine.
Molecular consequence: missense variant. On other transcripts: non-coding transcript variant (1).
Genome position (GRCh38, 1-based): chrX:78,045,478, A>G. VCF-style: chrX-78045478-A-G. GRCh37 (hg19) VCF-style: chrX-77300975-A-G.
Other names: p.Met1378Val; c.4132A>G (NM_000052.4); c.3898A>G, p.Met1300Val (NM_001282224.2); short protein forms M1300V, M1378V.
Identifiers: ClinVar variation 1625430 (VCV001625430.11), dbSNP rs782161783, ClinGen allele CA10459512.

ClinVar aggregate classification (germline): Conflicting classifications of pathogenicity. Review status: criteria provided, conflicting classifications (1 of 4 stars). 3 submissions from 3 submitters: Uncertain significance (2); Likely benign (1). Last evaluated 2025-12-12.

Conditions:
Cutis laxa, X-linked (OHS). Also called: EDS IX; Occipital horn syndrome. Identifiers: Orphanet 198, MedGen C0268353, MONDO:0010572, OMIM 304150.
Menkes kinky-hair syndrome (MNK). Also called: Menkes Disease; Classic Menkes Disease; Copper transport disease. Identifiers: Orphanet 565, MedGen C0022716, MONDO:0010651, OMIM 309400.
X-linked distal spinal muscular atrophy type 3. Also called: ATP7A-Related Distal Motor Neuropathy; NEURONOPATHY, DISTAL HEREDITARY MOTOR, X-LINKED; NEUROPATHY, DISTAL HEREDITARY MOTOR, X-LINKED; SPINAL MUSCULAR ATROPHY, DISTAL, X-LINKED RECESSIVE. Identifiers: Orphanet 139557, MedGen C1845359, MONDO:0010338, OMIM 300489.

Allele frequency attached by ClinVar (database versions not stated): gnomAD exomes below 0.00001 and 0.00001; ExAC 0.00001; gnomAD 0.00001.

Submissions (3):

GeneDx
Classification: Uncertain significance. Last evaluated: 2025-12-12. Review status: criteria provided, single submitter. Criteria: GeneDx Variant Classification Process June 2021. Collection method: clinical testing. Allele origin: germline.
Comment: Not observed at significant frequency in large population cohorts (gnomAD); In silico analysis suggests that this missense variant does not alter protein structure/function; Has not been previously published as pathogenic or benign to our knowledge

Mayo Clinic Laboratories, Mayo Clinic
Classification: Uncertain significance. Last evaluated: 2024-08-23. Review status: criteria provided, single submitter. Criteria: ACMG Guidelines, 2015. Collection method: clinical testing. Allele origin: germline. Observed: 1 variant allele.
Comment: PM2

Labcorp Genetics (formerly Invitae), Labcorp
Classification: Likely benign for X-linked distal spinal muscular atrophy type 3; Cutis laxa, X-linked; Menkes kinky-hair syndrome. Last evaluated: 2024-04-17. Review status: criteria provided, single submitter. Criteria: Invitae Variant Classification Sherloc (09022015). Collection method: clinical testing. Allele origin: germline.